The following is an entry in ClinVar:

ClinVar aggregate classification (germline): Pathogenic (1 of 4 stars; one submission).

Conditions:
Hereditary breast ovarian cancer syndrome. Also called: BRCA1- and BRCA2-Associated Hereditary Breast and Ovarian Cancer; Hereditary breast and ovarian cancer; Hereditary breast and ovarian cancer syndrome (HBOC); Hereditary breast and ovarian cancer syndrome; Hereditary breast and/or ovarian cancer syndrome; Breast and ovarian cancer. Identifiers: Orphanet 145, MedGen C0677776, MeSH D061325, MONDO:0003582. Disease mechanism: loss of function.

Submission:

Labcorp Genetics (formerly Invitae), Labcorp
Classification: Pathogenic for Hereditary breast ovarian cancer syndrome. Last evaluated: 2023-12-04. Review status: criteria provided, single submitter. Criteria: Invitae Variant Classification Sherloc (09022015). Collection method: clinical testing. Allele origin: germline.
Comment: This sequence change creates a premature translational stop signal (p.Ile587Lysfs*20) in the BRCA1 gene. It is expected to result in an absent or disrupted protein product. Loss-of-function variants in BRCA1 are known to be pathogenic (PMID: 20104584). This variant is not present in population databases (gnomAD no frequency). This variant has not been reported in the literature in individuals affected with BRCA1-related conditions. For these reasons, this variant has been classified as Pathogenic.

Literature cited by the submitters: PubMed 20104584.

NM_007294.4(BRCA1):c.1760_1761del (p.Ile587fs)

Gene: BRCA1 (BRCA1 DNA repair associated; minus strand). Cytogenetic location: 17q21.31.
Variant type: Microsatellite.
Coding change: c.1760_1761del on transcript NM_007294.4 (MANE Select); coding-DNA positions 1760 to 1761, 2 bases deleted (TA; older notation c.1760_1761delTA).
Protein change: p.Ile587fs; shifts the reading frame from isoleucine 587.
Molecular consequence: frameshift variant. On other transcripts: intron variant (137).
Genome position (GRCh38, 1-based): chr17:43,093,770-43,093,771, TA deleted on the plus strand (TA on the coding strand, the reverse complement: BRCA1 is on the minus strand); deleting any 2 consecutive bases within chr17:43,093,770-43,093,773 gives the same sequence; the c. name uses the placement nearest the transcript's 3' end. VCF-style (leftmost placement, unchanged base first): chr17-43093769-TTA-T. GRCh37 (hg19) VCF-style: chr17-41245786-TTA-T.
Other names: c.1616_1617del, p.Ile539fs (NM_001407964.1, NM_001407740.1, NM_001407741.1 and 20 more transcripts); c.1256_1257del, p.Ile419fs (NM_001407965.1); c.872_873del, p.Ile291fs (NM_001407966.1, NM_001407967.1); c.1619_1620del, p.Ile540fs (NM_007297.4, NM_001407692.1, NM_001407694.1 and 29 more transcripts); c.1760_1761del, p.Ile587fs (NM_007300.4, NM_001407581.1, NM_001407582.1 and 30 more transcripts); c.646+973_646+974del (NM_001408458.1, NM_001408469.1, NM_001408453.1 and 11 more transcripts); c.283+973_283+974del (NM_001408512.1); c.406+973_406+974del (NM_001408510.1); and 40 more; short protein forms I459fs, I460fs, I539fs, I540fs, I291fs, I475fs, I498fs, I520fs.
Identifiers: ClinVar variation 2700743 (VCV002700743.3), dbSNP rs2552198877, ClinGen allele CA2697554271.